The following is an entry in ClinVar:

NM_000038.6(APC):c.7729T>A (p.Ser2577Thr)

Gene: APC (APC regulator of Wnt signaling pathway; plus strand). Cytogenetic location: 5q22.2.
Variant type: single nucleotide variant.
Coding change: c.7729T>A on transcript NM_000038.6 (MANE Select); coding-DNA position 7729, T replaced by A.
Protein change: p.Ser2577Thr; replaces serine 2577 with threonine.
Molecular consequence: missense variant.
Genome position (GRCh38, 1-based): chr5:112,843,323, T>A. VCF-style: chr5-112843323-T-A. GRCh37 (hg19) VCF-style: chr5-112179020-T-A.
Other names: c.7729T>A, p.Ser2577Thr (NM_001127510.3, NM_001354895.2, NM_001407450.1); c.7675T>A, p.Ser2559Thr (NM_001127511.3); c.7783T>A, p.Ser2595Thr (NM_001354896.2, NM_001407447.1, NM_001407448.1 and 1 more transcripts); c.7759T>A, p.Ser2587Thr (NM_001354897.2); c.7654T>A, p.Ser2552Thr (NM_001354898.2); c.7645T>A, p.Ser2549Thr (NM_001354899.2); c.7606T>A, p.Ser2536Thr (NM_001354900.2); c.7552T>A, p.Ser2518Thr (NM_001354901.2, NM_001407453.1); and 11 more; short protein forms S2193T, S2294T, S2417T, S2486T, S2559T, S2605T, S2494T, S2587T.
Identifiers: ClinVar variation 1760336 (VCV001760336.2), dbSNP rs1766549461, ClinGen allele CA16038114.

ClinVar aggregate classification (germline): Uncertain significance (1 of 4 stars; one submission).

Conditions:
Hereditary cancer-predisposing syndrome. Also called: Neoplastic Syndromes, Hereditary; Tumor predisposition; Hereditary Cancer Syndrome; Hereditary neoplastic syndrome. Identifiers: Orphanet 140162, MedGen C0027672, MeSH D009386, MONDO:0015356.

Submission:

Ambry Genetics
Classification: Uncertain significance for Hereditary cancer-predisposing syndrome. Last evaluated: 2020-10-07. Review status: criteria provided, single submitter. Criteria: Ambry Variant Classification Scheme 2023. Collection method: clinical testing. Allele origin: germline.
Comment: The p.S2577T variant (also known as c.7729T>A), located in coding exon 15 of the APC gene, results from a T to A substitution at nucleotide position 7729. The serine at codon 2577 is replaced by threonine, an amino acid with similar properties. This amino acid position is highly conserved in available vertebrate species. In addition, in silico predictors for this gene do not accurately predict pathogenicity. Since supporting evidence is limited at this time, the clinical significance of this alteration remains unclear.